The following is an entry in ClinVar:

NM_004247.4(EFTUD2):c.623_624del (p.His208fs)

Gene: EFTUD2 (elongation factor Tu GTP binding domain containing 2; minus strand). Cytogenetic location: 17q21.31.
Variant type: Deletion.
Coding change: c.623_624del on transcript NM_004247.4 (MANE Select); coding-DNA positions 623 to 624, 2 bases deleted (AT; older notation c.623_624delAT).
Protein change: p.His208fs; shifts the reading frame from histidine 208.
Molecular consequence: frameshift variant.
Genome position (GRCh38, 1-based): chr17:44,879,634-44,879,635, AT deleted on the plus strand (AT on the coding strand, the reverse complement: EFTUD2 is on the minus strand). VCF-style (leftmost placement, unchanged base first): chr17-44879633-CAT-C. GRCh37 (hg19) VCF-style: chr17-42957001-CAT-C.
Other names: c.518_519del, p.His173fs (NM_001142605.2); c.623_624del, p.His208fs (NM_001258353.2); c.593_594del, p.His198fs (NM_001258354.2); short protein forms H173fs, H198fs, H208fs.
Identifiers: ClinVar variation 3342721 (VCV003342721.1).

ClinVar aggregate classification (germline): Pathogenic (1 of 4 stars; one submission).

Submission:

GeneDx
Classification: Pathogenic. Last evaluated: 2023-11-12. Review status: criteria provided, single submitter. Criteria: GeneDx Variant Classification Process June 2021. Collection method: clinical testing. Allele origin: germline. Affected: yes.
Comment: Frameshift variant predicted to result in protein truncation or nonsense mediated decay in a gene for which loss of function is a known mechanism of disease; Not observed at significant frequency in large population cohorts (gnomAD); This variant is associated with the following publications: (PMID: 34979617)